The following is an entry in ClinVar:

ClinVar aggregate classification (germline): Uncertain significance. Review status: criteria provided, multiple submitters, no conflicts (2 of 4 stars). 2 submissions from 2 submitters: Uncertain significance (2). Last evaluated 2022-02-04.

Allele frequency attached by ClinVar (database versions not stated): gnomAD exomes below 0.00001 and 0.00004; ExAC 0.00001; TOPMed 0.00002; gnomAD 0.00003.

Submissions (2):

Labcorp Genetics (formerly Invitae), Labcorp
Classification: Uncertain significance. Last evaluated: 2022-02-04. Review status: criteria provided, single submitter. Criteria: Invitae Variant Classification Sherloc (09022015). Collection method: clinical testing. Allele origin: germline.
Comment: In summary, the available evidence is currently insufficient to determine the role of this variant in disease. Therefore, it has been classified as a Variant of Uncertain Significance. Experimental studies and prediction algorithms are not available or were not evaluated, and the functional significance of this variant is currently unknown. ClinVar contains an entry for this variant (Variation ID: 353413). This variant has not been reported in the literature in individuals affected with CPLANE1-related conditions. This variant is present in population databases (rs765432713, gnomAD 0.002%). This sequence change creates a premature translational stop signal (p.Val3158Cysfs*6) in the CPLANE1 gene. While this is not anticipated to result in nonsense mediated decay, it is expected to disrupt the last 40 amino acid(s) of the CPLANE1 protein.

Blueprint Genetics
Classification: Uncertain significance. Last evaluated: 2018-11-06. Review status: criteria provided, single submitter. Criteria: ACMG Guidelines, 2015. Collection method: clinical testing. Allele origin: germline.

NM_001384732.1(CPLANE1):c.9633dup (p.Val3212fs)

Gene: CPLANE1 (ciliogenesis and planar polarity effector complex subunit 1; minus strand). Cytogenetic location: 5p13.2.
Variant type: Duplication.
Coding change: c.9633dup on transcript NM_001384732.1 (MANE Select); coding-DNA position 9633, one base duplicated (T; older notation c.9633dupT).
Protein change: p.Val3212fs; shifts the reading frame from valine 3212.
Molecular consequence: frameshift variant.
Genome position (GRCh38, 1-based): chr5:37,107,725, A duplicated on the plus strand (T on the coding strand, the reverse complement: CPLANE1 is on the minus strand). VCF-style (leftmost placement, unchanged base first): chr5-37107724-C-CA. GRCh37 (hg19) VCF-style: chr5-37107826-C-CA.
Other names: c.9471dup, p.Val3158fs (NM_023073.4); short protein forms V3158fs, V3212fs.
Identifiers: ClinVar variation 353413 (VCV000353413.10), dbSNP rs765432713, ClinGen allele CA3237406.